The following is an entry in ClinVar:

ClinVar aggregate classification (germline): Uncertain significance. Review status: criteria provided, multiple submitters, no conflicts (2 of 4 stars). 3 submissions from 3 submitters: Uncertain significance (3). Last evaluated 2025-04-14.

Conditions:
Familial cancer of breast. Also called: hereditary breast carcinoma; Hereditary breast cancer; BREAST CANCER, FAMILIAL. Identifiers: Orphanet 227535, MedGen C0346153, MONDO:0016419, OMIM 114480. Disease mechanism: loss of function.
Fanconi anemia complementation group J. Also called: BRIP1-Related Fanconi Anemia. Identifiers: Orphanet 84, MedGen C1836860, MONDO:0012187, OMIM 609054.
Hereditary cancer-predisposing syndrome. Also called: Neoplastic Syndromes, Hereditary; Hereditary neoplastic syndrome; Hereditary Cancer Syndrome; Tumor predisposition. Identifiers: Orphanet 140162, MedGen C0027672, MeSH D009386, MONDO:0015356.

Allele frequency attached by ClinVar (database versions not stated): gnomAD exomes below 0.00001.
gnomAD v4.1: 3 of 1,613,596 alleles (0.00019%); highest among the groups gnomAD compares: Non-Finnish European, 0.00025%; no homozygotes.

Submissions (3):

Color Diagnostics, LLC DBA Color Health
Classification: Uncertain significance for Hereditary cancer-predisposing syndrome. Last evaluated: 2025-04-14. Review status: criteria provided, single submitter. Criteria: ACMG Guidelines, 2015. Collection method: clinical testing. Allele origin: germline.
Comment: This missense variant replaces isoleucine with valine at codon 1176 of the BRIP1 protein. Computational prediction suggests that this variant may not impact protein structure and function. To our knowledge, functional studies have not been reported for this variant. This variant has not been reported in individuals affected with BRIP1-related disorders in the literature. This variant has not been identified in the general population by the Genome Aggregation Database (gnomAD). The available evidence is insufficient to determine the role of this variant in disease conclusively. Therefore, this variant is classified as a Variant of Uncertain Significance.

Labcorp Genetics (formerly Invitae), Labcorp
Classification: Uncertain significance for Familial cancer of breast; Fanconi anemia complementation group J. Last evaluated: 2024-05-18. Review status: criteria provided, single submitter. Criteria: Invitae Variant Classification Sherloc (09022015). Collection method: clinical testing. Allele origin: germline.
Comment: This sequence change replaces isoleucine, which is neutral and non-polar, with valine, which is neutral and non-polar, at codon 1176 of the BRIP1 protein (p.Ile1176Val). This variant is not present in population databases (gnomAD no frequency). This variant has not been reported in the literature in individuals affected with BRIP1-related conditions. ClinVar contains an entry for this variant (Variation ID: 999596). Algorithms developed to predict the effect of missense changes on protein structure and function output the following: SIFT: "Not Available"; PolyPhen-2: "Benign"; Align-GVGD: "Not Available". The valine amino acid residue is found in multiple mammalian species, which suggests that this missense change does not adversely affect protein function. In summary, the available evidence is currently insufficient to determine the role of this variant in disease. Therefore, it has been classified as a Variant of Uncertain Significance.

Ambry Genetics
Classification: Uncertain significance for Hereditary cancer-predisposing syndrome. Last evaluated: 2024-05-14. Review status: criteria provided, single submitter. Criteria: Ambry Variant Classification Scheme 2023. Collection method: clinical testing. Allele origin: germline.
Comment: The p.I1176V variant (also known as c.3526A>G), located in coding exon 19 of the BRIP1 gene, results from an A to G substitution at nucleotide position 3526. The isoleucine at codon 1176 is replaced by valine, an amino acid with highly similar properties. This amino acid position is conserved. In addition, this alteration is predicted to be tolerated by in silico analysis. Based on the available evidence, the clinical significance of this variant remains unclear.

NM_032043.3(BRIP1):c.3526A>G (p.Ile1176Val)

Gene: BRIP1 (BRCA1 interacting DNA helicase 1; minus strand). Cytogenetic location: 17q23.2.
Variant type: single nucleotide variant.
Coding change: c.3526A>G on transcript NM_032043.3 (MANE Select); coding-DNA position 3526, A replaced by G.
Protein change: p.Ile1176Val; replaces isoleucine 1176 with valine.
Molecular consequence: missense variant.
Genome position (GRCh38, 1-based): chr17:61,683,520, T>C on the plus strand (A>G on the coding strand, the complement: BRIP1 is on the minus strand). VCF-style: chr17-61683520-T-C. GRCh37 (hg19) VCF-style: chr17-59760881-T-C.
Other names: c.3526A>G (NM_032043.2); short protein forms I1176V.
Identifiers: ClinVar variation 999596 (VCV000999596.7), dbSNP rs2061303537, ClinGen allele CA400478414.